The following is an entry in ClinVar:

ClinVar aggregate classification (germline): Uncertain significance (1 of 4 stars; one submission).

Submission:

Labcorp Genetics (formerly Invitae), Labcorp
Classification: Uncertain significance. Last evaluated: 2024-03-28. Review status: criteria provided, single submitter. Criteria: Invitae Variant Classification Sherloc (09022015). Collection method: clinical testing. Allele origin: germline.
Comment: This sequence change affects an acceptor splice site in intron 11 of the COMP gene. It is expected to disrupt RNA splicing. Variants that disrupt the donor or acceptor splice site typically lead to a loss of protein function (PMID: 16199547), however the current clinical and genetic evidence is not sufficient to establish whether loss-of-function variants in COMP cause disease. This variant is not present in population databases (gnomAD no frequency). This variant has not been reported in the literature in individuals affected with COMP-related conditions. ClinVar contains an entry for this variant (Variation ID: 1047198). Algorithms developed to predict the effect of sequence changes on RNA splicing suggest that this variant may disrupt the consensus splice site. In summary, the available evidence is currently insufficient to determine the role of this variant in disease. Therefore, it has been classified as a Variant of Uncertain Significance.

Literature cited by the submitters: PubMed 16199547.

NM_000095.3(COMP):c.1255-2A>T

Gene: COMP (cartilage oligomeric matrix protein; minus strand). Cytogenetic location: 19p13.11.
Variant type: single nucleotide variant.
Coding change: c.1255-2A>T on transcript NM_000095.3 (MANE Select); the canonical splice acceptor site of the intron before coding-DNA position 1255, A replaced by T.
Molecular consequence: splice acceptor variant.
Genome position (GRCh38, 1-based): chr19:18,786,293, T>A on the plus strand (A>T on the coding strand, the complement: COMP is on the minus strand). VCF-style: chr19-18786293-T-A. GRCh37 (hg19) VCF-style: chr19-18897103-T-A.
Identifiers: ClinVar variation 1047198 (VCV001047198.5), dbSNP rs2055166850, ClinGen allele CA404886086.